The following is an entry in ClinVar:

NM_001184880.2(PCDH19):c.1707dup (p.Asn570Ter)

Gene: PCDH19 (protocadherin 19; minus strand). Cytogenetic location: Xq22.1.
Variant type: Duplication.
Coding change: c.1707dup on transcript NM_001184880.2 (MANE Select); coding-DNA position 1707, one base duplicated (T; older notation c.1707dupT).
Protein change: p.Asn570Ter; replaces asparagine 570 with a stop codon.
Molecular consequence: nonsense.
Genome position (GRCh38, 1-based): chrX:100,406,891, A duplicated on the plus strand (T on the coding strand, the reverse complement: PCDH19 is on the minus strand); the first of 2 consecutive A bases (chrX:100,406,891-100,406,892); duplicating either gives the same sequence. VCF-style (leftmost placement, unchanged base first): chrX-100406890-T-TA. GRCh37 (hg19) VCF-style: chrX-99661888-T-TA.
Other names: c.1707dup, p.Asn570Ter (NM_001105243.2, NM_020766.3); short protein forms N570*.
Identifiers: ClinVar variation 2848622 (VCV002848622.3), dbSNP rs2520979309, ClinGen allele CA2739273662.

ClinVar aggregate classification (germline): Pathogenic (1 of 4 stars; one submission).

Conditions:
Developmental and epileptic encephalopathy, 9 (DEE9). Also called: Early infantile epileptic encephalopathy 9; JUBERG-HELLMAN SYNDROME; EPILEPSY, FEMALE-RESTRICTED, WITH MENTAL RETARDATION; PCDH19-Related X-Linked Female-Limited Epilepsy with Mental Retardation. Identifiers: Orphanet 101039, Orphanet 2076, MedGen C1848137, MONDO:0010246, OMIM 300088. Disease mechanism: loss of function.

Submission:

Labcorp Genetics (formerly Invitae), Labcorp
Classification: Pathogenic for Developmental and epileptic encephalopathy, 9. Last evaluated: 2023-03-22. Review status: criteria provided, single submitter. Criteria: Invitae Variant Classification Sherloc (09022015). Collection method: clinical testing. Allele origin: germline.
Comment: This sequence change creates a premature translational stop signal (p.Asn570*) in the PCDH19 gene. It is expected to result in an absent or disrupted protein product. Loss-of-function variants in PCDH19 are known to be pathogenic (PMID: 21053371). This variant is not present in population databases (gnomAD no frequency). This variant has not been reported in the literature in individuals affected with PCDH19-related conditions. For these reasons, this variant has been classified as Pathogenic.

Literature cited by the submitters: PubMed 21053371.